The following is an entry in ClinVar:

ClinVar aggregate classification (germline): Pathogenic (1 of 4 stars; one submission).

Submission:

Labcorp Genetics (formerly Invitae), Labcorp
Classification: Pathogenic. Last evaluated: 2022-10-27. Review status: criteria provided, single submitter. Criteria: Invitae Variant Classification Sherloc (09022015). Collection method: clinical testing. Allele origin: germline.
Comment: This variant is a gross deletion of the genomic region encompassing exon(s) 13-16 of the EYS gene. This variant would be expected to be in-frame, preserving the integrity of the reading frame. This variant has not been reported in the literature in individuals affected with EYS-related conditions. This variant disrupts a region of the EYS protein in which other variant(s) (p.Gly843Glu) have been determined to be pathogenic (PMID: 22302105, 22363543, 29785639, 31814702). This suggests that this is a clinically significant region of the protein, and that variants that disrupt it are likely to be disease-causing. For these reasons, this variant has been classified as Pathogenic.

Literature cited by the submitters: PubMed 22302105; PubMed 22363543; PubMed 29785639; PubMed 31814702.

NC_000006.11:g.(?_65622367)_(65767630_?)del

Gene: EYS (eyes shut homolog; minus strand). Cytogenetic location: 6q12.
Variant type: Deletion.
Identifiers: ClinVar variation 1068046 (VCV001068046.5).